The following is an entry in ClinVar:

NM_001278716.2(FBXL4):c.87A>G (p.Gly29=)

Gene: FBXL4 (F-box and leucine rich repeat protein 4; minus strand). Cytogenetic location: 6q16.2.
Variant type: single nucleotide variant.
Coding change: c.87A>G on transcript NM_001278716.2 (MANE Select); coding-DNA position 87, A replaced by G.
Protein change: p.Gly29=; no amino-acid change (glycine 29 retained).
Molecular consequence: synonymous variant. On other transcripts: non-coding transcript variant (2).
Genome position (GRCh38, 1-based): chr6:98,926,902, T>C on the plus strand (A>G on the coding strand, the complement: FBXL4 is on the minus strand). VCF-style: chr6-98926902-T-C. GRCh37 (hg19) VCF-style: chr6-99374778-T-C.
Other names: c.87A>G, p.Gly29= (NM_012160.5).
Identifiers: ClinVar variation 437532 (VCV000437532.1), dbSNP rs749539741, ClinGen allele CA3933742.
Genomic context (GRCh38, chr6:98,926,902, plus strand): 5'-TGCATTGAGAGGGGAAGTCTGGCTGTTTGATTCTATAGCTCTATGGGTGTTCATCATTTC[T>C]CCTCTTGTAGCTGTCCTGGCTCGGCGCCGAAGGCATATATAATAAAACATGGTCAGAACT-3'
Protein context (NP_001265645.1, residues 19-39): LRRRARTATR[Gly29=]EMMNTHRAIE

ClinVar aggregate classification (germline): Uncertain significance (1 of 4 stars; one submission).

Conditions:
Mitochondrial DNA depletion syndrome 13. Also called: FBXL4-Related Encephalomyopathic Mitochondrial DNA Depletion Syndrome; Mitochondrial DNA depletion syndrome 13 (encephalomyopathic type). Identifiers: Orphanet 369897, MedGen C3809592, MONDO:0014198, OMIM 615471.

Allele frequency attached by ClinVar (database versions not stated): gnomAD exomes below 0.00001; ExAC 0.00001.
gnomAD v4.1: 1 of 1,614,208 alleles (0.000062%); highest among the groups gnomAD compares: Non-Finnish European, 0.000085%; no homozygotes.

Submission:

Wong Mito Lab, Molecular and Human Genetics, Baylor College of Medicine
Classification: Uncertain significance for Mitochondrial DNA depletion syndrome 13. Last evaluated: 2017-08-10. Review status: criteria provided, single submitter. Criteria: ACMG Guidelines, 2015. Collection method: reference population. Allele origin: germline.
Comment: The NM_012160.4:c.87A>G (NP_036292.2:p.Gly29=) [GRCH38: NC_000006.12:g.98926902T>C] variant in FBXL4 gene is interpretated to be a Uncertain Significance - Conflicting Evidence based on ACMG guidelines (PMID: 25741868). This variant meets one or more of the following evidence codes reported in the ACMG-guideline. PM2:This variant is absent in key population databases. BP4:Computational evidence/predictors indicate no impact on the FBXL4 structure, function, or protein-protein interaction. BP7:The variant is silent with non predicted splice impact. Based on this evidence code ClinGen Pathogenicity Calculator (PMID:28081714) suggested that the variant is Uncertain Significance - Conflicting Evidence.